The following is an entry in ClinVar:

NM_001103.4(ACTN2):c.1786A>G (p.Ser596Gly)

Gene: ACTN2 (actinin alpha 2; plus strand). Cytogenetic location: 1q43.
Variant type: single nucleotide variant.
Coding change: c.1786A>G on transcript NM_001103.4 (MANE Select); coding-DNA position 1786, A replaced by G.
Protein change: p.Ser596Gly; replaces serine 596 with glycine.
Molecular consequence: missense variant. On other transcripts: non-coding transcript variant (1).
Genome position (GRCh38, 1-based): chr1:236,751,599, A>G. VCF-style: chr1-236751599-A-G. GRCh37 (hg19) VCF-style: chr1-236914899-A-G.
Other names: c.1786A>G, p.Ser596Gly (NM_001278343.2); short protein forms S596G.
Identifiers: ClinVar variation 4221851 (VCV004221851.1).
Genomic context (GRCh38, chr1:236,751,599, plus strand): 5'-ATGGCCATCCAGAACGAGGTGGAGAAGGTGATTCAGAGCTACAACATCAGAATCAGCTCA[A>G]GCAACCCGTACAGCACTGTCACCATGGATGAGCTCCGGACCAAGTGGGACAAGGTGGGTG-3'
Protein context (NP_001094.1, residues 586-606): IQSYNIRISS[Ser596Gly]NPYSTVTMDE

ClinVar aggregate classification (germline): Uncertain significance (1 of 4 stars; one submission).

Conditions:
Cardiovascular phenotype. Identifiers: MedGen CN230736.

Submission:

Ambry Genetics
Classification: Uncertain significance for Cardiovascular phenotype. Last evaluated: 2025-06-23. Review status: criteria provided, single submitter. Criteria: Ambry Variant Classification Scheme 2023. Collection method: clinical testing. Allele origin: germline.
Comment: The p.S596G variant (also known as c.1786A>G), located in coding exon 15 of the ACTN2 gene, results from an A to G substitution at nucleotide position 1786. The serine at codon 596 is replaced by glycine, an amino acid with similar properties. This amino acid position is conserved. In addition, this alteration is predicted to be tolerated by in silico analysis. Based on the available evidence, the clinical significance of this variant remains unclear.